The following is an entry in ClinVar:

ClinVar aggregate classification (germline): Uncertain significance (1 of 4 stars; one submission).

Submission:

Ambry Genetics
Classification: Uncertain significance. Last evaluated: 2024-11-25. Review status: criteria provided, single submitter. Criteria: Ambry Variant Classification Scheme 2023. Collection method: clinical testing. Allele origin: germline.
Comment: The p.S48F variant (also known as c.143C>T), located in coding exon 1 of the PALLD gene, results from a C to T substitution at nucleotide position 143. The serine at codon 48 is replaced by phenylalanine, an amino acid with highly dissimilar properties. This amino acid position is conserved. In addition, this alteration is predicted to be tolerated by in silico analysis. Based on the available evidence, the clinical significance of this variant remains unclear.

NM_001166108.2(PALLD):c.1965-12888C>T

Gene: PALLD (palladin, cytoskeletal associated protein; plus strand). Cytogenetic location: 4q32.3.
Variant type: single nucleotide variant.
Coding change: c.1965-12888C>T on transcript NM_001166108.2 (MANE Select); 12888 bases into the intron before coding-DNA position 1965, C replaced by T.
Molecular consequence: intron variant. On other transcripts: missense variant (1).
Genome position (GRCh38, 1-based): chr4:168,878,034, C>T. VCF-style: chr4-168878034-C-T. GRCh37 (hg19) VCF-style: chr4-169799185-C-T.
Other names: c.143C>T, p.Ser48Phe (NM_001166110.2); c.1965-12888C>T (NM_016081.4); c.819-12888C>T (NM_001166109.2); c.-157-12888C>T (NM_001367570.1, NM_001367568.1, NM_001367567.1 and 1 more transcripts); short protein forms S48F.
Identifiers: ClinVar variation 3413704 (VCV003413704.1).